The following is an entry in ClinVar:

NM_020338.4(ZMIZ1):c.2602G>A (p.Gly868Ser)

Gene: ZMIZ1 (zinc finger MIZ-type containing 1; plus strand). Cytogenetic location: 10q22.3.
Variant type: single nucleotide variant.
Coding change: c.2602G>A on transcript NM_020338.4 (MANE Select); coding-DNA position 2602, G replaced by A.
Protein change: p.Gly868Ser; replaces glycine 868 with serine.
Molecular consequence: missense variant.
Genome position (GRCh38, 1-based): chr10:79,306,278, G>A. VCF-style: chr10-79306278-G-A. GRCh37 (hg19) VCF-style: chr10-81066035-G-A.
Other names: short protein forms G868S.
Identifiers: ClinVar variation 1030702 (VCV001030702.4), dbSNP rs887582331, ClinGen allele CA210221329.
Genomic context (GRCh38, chr10:79,306,278, plus strand): 5'-ATGAGTCCCAGCCAGATGATCATGCCCAATGTCATGGAGATGATCGCAGCCCTGGGCCCC[G>A]GCCCGTCCCCCTATCCCCTCCCGCCTCCCCCAGGGGGCACCAACTCCAACGACTACAGCA-3'
Protein context (NP_065071.1, residues 858-878): VMEMIAALGP[Gly868Ser]PSPYPLPPPP

ClinVar aggregate classification (germline): Uncertain significance. Review status: criteria provided, multiple submitters, no conflicts (2 of 4 stars). 3 submissions from 3 submitters: Uncertain significance (3). Last evaluated 2023-03-29.

Conditions:
Neurodevelopmental disorder with dysmorphic facies and distal skeletal anomalies. Identifiers: MedGen C5231448, MONDO:0032855, OMIM 618659.

Allele frequency attached by ClinVar (database versions not stated): TOPMed below 0.00001; gnomAD 0.00001.
gnomAD v4.1: 9 of 1,613,730 alleles (0.00056%); highest among the groups gnomAD compares: African/African-American, 0.0013%; no homozygotes.

Submissions (3):

Revvity Omics, Revvity
Classification: Uncertain significance for Neurodevelopmental disorder with dysmorphic facies and distal skeletal anomalies. Last evaluated: 2023-03-29. Review status: criteria provided, single submitter. Criteria: ACMG Guidelines, 2015. Collection method: clinical testing. Allele origin: germline.

Labcorp Genetics (formerly Invitae), Labcorp
Classification: Uncertain significance. Last evaluated: 2022-07-11. Review status: criteria provided, single submitter. Criteria: Invitae Variant Classification Sherloc (09022015). Collection method: clinical testing. Allele origin: germline.
Comment: This sequence change replaces glycine, which is neutral and non-polar, with serine, which is neutral and polar, at codon 868 of the ZMIZ1 protein (p.Gly868Ser). This variant is not present in population databases (gnomAD no frequency). This variant has not been reported in the literature in individuals affected with ZMIZ1-related conditions. ClinVar contains an entry for this variant (Variation ID: 1030702). Algorithms developed to predict the effect of missense changes on protein structure and function (SIFT, PolyPhen-2, Align-GVGD) all suggest that this variant is likely to be disruptive. In summary, the available evidence is currently insufficient to determine the role of this variant in disease. Therefore, it has been classified as a Variant of Uncertain Significance.

Baylor Genetics
Classification: Uncertain significance for Neurodevelopmental disorder with dysmorphic facies and distal skeletal anomalies. Last evaluated: 2020-02-05. Review status: criteria provided, single submitter. Criteria: ACMG Guidelines, 2015. Collection method: clinical testing. Allele origin: unknown. Affected: yes.
Comment: This variant was determined to be of uncertain significance according to ACMG Guidelines, 2015 [PMID:25741868].